The following is an entry in ClinVar:

NM_002383.4(MAZ):c.528C>T (p.Val176=)

Gene: MAZ (MYC associated zinc finger protein; plus strand). Cytogenetic location: 16p11.2.
Variant type: single nucleotide variant.
Coding change: c.528C>T on transcript NM_002383.4 (MANE Select); coding-DNA position 528, C replaced by T.
Protein change: p.Val176=; no amino-acid change (valine 176 retained).
Molecular consequence: synonymous variant. On other transcripts: intron variant (1).
Genome position (GRCh38, 1-based): chr16:29,807,313, C>T. VCF-style: chr16-29807313-C-T. GRCh37 (hg19) VCF-style: chr16-29818634-C-T.
Other names: c.528C>T, p.Val176= (NM_001042539.3); c.459C>T, p.Val153= (NM_001276275.2); c.192+420C>T (NM_001276276.2).
Identifiers: ClinVar variation 2646365 (VCV002646365.24), dbSNP rs200279675, ClinGen allele CA7993769.

ClinVar aggregate classification (germline): Likely benign (1 of 4 stars; one submission).

Allele frequency attached by ClinVar (database versions not stated): TOPMed 0.00068; ESP Exome Variant Server 0.00135; ExAC 0.00148.
gnomAD v4.1: 1,226 of 1,594,660 alleles (0.077%); highest among the groups gnomAD compares: Middle Eastern, 0.15%; 2 homozygotes.

Submission:

CeGaT Center for Human Genetics Tuebingen
Classification: Likely benign. Last evaluated: 2023-03-01. Review status: criteria provided, single submitter. Criteria: CeGaT Center For Human Genetics Tuebingen Variant Classification Criteria Version 2. Collection method: clinical testing. Allele origin: germline. Affected: yes. Observed: 1 variant allele.
Comment: MAZ: BP4, BP7